The following is an entry in ClinVar:

NM_206937.2(LIG4):c.1835C>G (p.Ser612Cys)

Gene: LIG4 (DNA ligase 4; minus strand). Cytogenetic location: 13q33.3.
Variant type: single nucleotide variant.
Coding change: c.1835C>G on transcript NM_206937.2 (MANE Select); coding-DNA position 1835, C replaced by G.
Protein change: p.Ser612Cys; replaces serine 612 with cysteine.
Molecular consequence: missense variant.
Genome position (GRCh38, 1-based): chr13:108,209,434, G>C on the plus strand (C>G on the coding strand, the complement: LIG4 is on the minus strand). VCF-style: chr13-108209434-G-C. GRCh37 (hg19) VCF-style: chr13-108861782-G-C.
Other names: c.1835C>G, p.Ser612Cys (NM_001098268.2, NM_001352598.2, NM_001352599.2 and 6 more transcripts); c.1634C>G, p.Ser545Cys (NM_001330595.2); c.1871C>G, p.Ser624Cys (NM_001352604.2); short protein forms S612C, S624C, S545C.
Identifiers: ClinVar variation 2075658 (VCV002075658.1), dbSNP rs932632331, ClinGen allele CA256180635.
Genomic context (GRCh38, chr13:108,209,434, plus strand): 5'-GGGGCAGCTTTCCGCTTTTTTTCTTGTGGTTCATCATCACCACCTATATAAAGGTGTTTA[G>C]ATGCGAGCTTACCAGATGCCTTCCCCCTAAGTTGTTCTAGGTCGTCCAGGGTCATGCACT-3'
Protein context (NP_996820.1, residues 602-622): LRGKASGKLA[Ser612Cys]KHLYIGGDDE

ClinVar aggregate classification (germline): Uncertain significance (1 of 4 stars; one submission).

Conditions:
DNA ligase IV deficiency. Identifiers: Orphanet 99812, MedGen C1847827, MONDO:0011686, OMIM 606593.

Allele frequency attached by ClinVar (database versions not stated): gnomAD 0.00001; gnomAD exomes 0.00001; TOPMed 0.00001.
gnomAD v4.1: 11 of 1,613,972 alleles (0.00068%); highest among the groups gnomAD compares: Non-Finnish European, 0.00093%; no homozygotes.

Submission:

Labcorp Genetics (formerly Invitae), Labcorp
Classification: Uncertain significance for DNA ligase IV deficiency. Last evaluated: 2022-01-16. Review status: criteria provided, single submitter. Criteria: Invitae Variant Classification Sherloc (09022015). Collection method: clinical testing. Allele origin: germline.
Comment: This sequence change replaces serine, which is neutral and polar, with cysteine, which is neutral and slightly polar, at codon 612 of the LIG4 protein (p.Ser612Cys). This variant is present in population databases (no rsID available, gnomAD 0.0009%). This variant has not been reported in the literature in individuals affected with LIG4-related conditions. Algorithms developed to predict the effect of missense changes on protein structure and function are either unavailable or do not agree on the potential impact of this missense change (SIFT: "Deleterious"; PolyPhen-2: "Benign"; Align-GVGD: "Class C0"). In summary, the available evidence is currently insufficient to determine the role of this variant in disease. Therefore, it has been classified as a Variant of Uncertain Significance.